The following is an entry in ClinVar:

NM_006231.4(POLE):c.4965T>C (p.Ile1655=)

Gene: POLE (DNA polymerase epsilon, catalytic subunit; minus strand). Cytogenetic location: 12q24.33.
Variant type: single nucleotide variant.
Coding change: c.4965T>C on transcript NM_006231.4 (MANE Select); coding-DNA position 4965, T replaced by C.
Protein change: p.Ile1655=; no amino-acid change (isoleucine 1655 retained).
Molecular consequence: synonymous variant.
Genome position (GRCh38, 1-based): chr12:132,642,385, A>G on the plus strand (T>C on the coding strand, the complement: POLE is on the minus strand). VCF-style: chr12-132642385-A-G. GRCh37 (hg19) VCF-style: chr12-133218971-A-G.
Identifiers: ClinVar variation 473702 (VCV000473702.28), dbSNP rs751304582, ClinGen allele CA6892648.

ClinVar aggregate classification (germline): Likely benign. Review status: criteria provided, multiple submitters, no conflicts (2 of 4 stars). 4 submissions from 4 submitters: Likely benign (4). Last evaluated 2024-10-01.

Conditions:
Hereditary cancer-predisposing syndrome. Also called: Hereditary neoplastic syndrome; Tumor predisposition; Neoplastic Syndromes, Hereditary; Hereditary Cancer Syndrome. Identifiers: Orphanet 140162, MedGen C0027672, MeSH D009386, MONDO:0015356.

Allele frequency attached by ClinVar (database versions not stated): ExAC 0.00001; gnomAD 0.00001; gnomAD exomes 0.00002 and 0.00003.
gnomAD v4.1: 16 of 1,578,076 alleles (0.001%); highest among the groups gnomAD compares: Non-Finnish European, 0.00026%; no homozygotes.

Submissions (4):

CeGaT Center for Human Genetics Tuebingen
Classification: Likely benign. Last evaluated: 2024-10-01. Review status: criteria provided, single submitter. Criteria: CeGaT Center For Human Genetics Tuebingen Variant Classification Criteria Version 2. Collection method: clinical testing. Allele origin: germline. Affected: yes. Observed: 1 variant allele.
Comment: POLE: BP4, BP7

Blueprint Genetics
Classification: Likely benign. Last evaluated: 2024-09-12. Review status: criteria provided, single submitter. Criteria: ACMG Guidelines, 2015. Collection method: clinical testing. Allele origin: germline.

Labcorp Genetics (formerly Invitae), Labcorp
Classification: Likely benign. Last evaluated: 2023-01-01. Review status: criteria provided, single submitter. Criteria: Invitae Variant Classification Sherloc (09022015). Collection method: clinical testing. Allele origin: germline.

Ambry Genetics
Classification: Likely benign for Hereditary cancer-predisposing syndrome. Last evaluated: 2020-04-17. Review status: criteria provided, single submitter. Criteria: Ambry Variant Classification Scheme 2023. Collection method: clinical testing. Allele origin: germline.